The following is an entry in ClinVar:

ClinVar aggregate classification (germline): Uncertain significance (1 of 4 stars; one submission).

Conditions:
MC4R-related disorder. Also called: MC4R-related condition.

Submission:

PreventionGenetics, part of Exact Sciences
Classification: Uncertain significance for MC4R-related condition. Last evaluated: 2025-03-05. Review status: criteria provided, single submitter. Criteria: ACMG Guidelines, 2015. Collection method: clinical testing. Allele origin: germline.
Comment: The MC4R c.541G>C variant is predicted to result in the amino acid substitution p.Gly181Arg. To our knowledge, this variant has not been reported in the literature or in a large population database (gnomAD), indicating this variant is rare. At this time, the clinical significance of this variant is uncertain due to the absence of conclusive functional and genetic evidence.

NM_005912.3(MC4R):c.541G>C (p.Gly181Arg)

Gene: MC4R (melanocortin 4 receptor; minus strand). Cytogenetic location: 18q21.32.
Variant type: single nucleotide variant.
Coding change: c.541G>C on transcript NM_005912.3 (MANE Select); coding-DNA position 541, G replaced by C.
Protein change: p.Gly181Arg; replaces glycine 181 with arginine.
Molecular consequence: missense variant.
Genome position (GRCh38, 1-based): chr18:60,371,809, C>G on the plus strand (G>C on the coding strand, the complement: MC4R is on the minus strand). VCF-style: chr18-60371809-C-G. GRCh37 (hg19) VCF-style: chr18-58039042-C-G.
Other names: short protein forms G181R.
Identifiers: ClinVar variation 4997051 (VCV004997051.1).